The following is an entry in ClinVar:

NM_000038.6(APC):c.466G>A (p.Asp156Asn)

Gene: APC (APC regulator of Wnt signaling pathway; plus strand). Cytogenetic location: 5q22.2.
Variant type: single nucleotide variant.
Coding change: c.466G>A on transcript NM_000038.6 (MANE Select); coding-DNA position 466, G replaced by A.
Protein change: p.Asp156Asn; replaces aspartic acid 156 with asparagine.
Molecular consequence: missense variant. On other transcripts: 5 prime UTR variant (1).
Genome position (GRCh38, 1-based): chr5:112,775,672, G>A. VCF-style: chr5-112775672-G-A. GRCh37 (hg19) VCF-style: chr5-112111369-G-A.
Other names: c.466G>A, p.Asp156Asn (NM_001127510.3, NM_001354895.2, NM_001354896.2 and 2 more transcripts); c.496G>A, p.Asp166Asn (NM_001127511.3, NM_001354897.2, NM_001354902.2); c.391G>A, p.Asp131Asn (NM_001354898.2, NM_001354904.2); c.289G>A, p.Asp97Asn (NM_001354900.2, NM_001354901.2, NM_001354905.2); c.-570G>A (NM_001354906.2); short protein forms D156N, D131N, D97N, D166N.
Identifiers: ClinVar variation 969905 (VCV000969905.14), dbSNP rs1554071538, ClinGen allele CA16022339.
Genomic context (GRCh38, chr5:112,775,672, plus strand): 5'-TAAAAAAAAAAAAATAGGTCATTGCTTCTTGCTGATCTTGACAAAGAAGAAAAGGAAAAA[G>A]ACTGGTATTACGCTCAACTTCAGAATCTCACTAAAAGAATAGATAGTCTTCCTTTAACTG-3'
Protein context (NP_000029.2, residues 146-166): ADLDKEEKEK[Asp156Asn]WYYAQLQNLT

ClinVar aggregate classification (germline): Uncertain significance. Review status: criteria provided, multiple submitters, no conflicts (2 of 4 stars). 3 submissions from 3 submitters: Uncertain significance (3). Last evaluated 2025-07-31.

Conditions:
Hereditary cancer-predisposing syndrome. Also called: Neoplastic Syndromes, Hereditary; Hereditary Cancer Syndrome; Tumor predisposition; Hereditary neoplastic syndrome. Identifiers: Orphanet 140162, MedGen C0027672, MeSH D009386, MONDO:0015356.
Familial adenomatous polyposis 1 (FAP1). Also called: FAMILIAL ADENOMATOUS POLYPOSIS 1, ATTENUATED; POLYPOSIS, ADENOMATOUS INTESTINAL. Identifiers: MedGen C2713442, MONDO:0021056, OMIM 175100. Disease mechanism: loss of function.

Submissions (3):

Labcorp Genetics (formerly Invitae), Labcorp
Classification: Uncertain significance for Familial adenomatous polyposis 1. Last evaluated: 2025-07-31. Review status: criteria provided, single submitter. Criteria: Invitae Variant Classification Sherloc (09022015). Collection method: clinical testing. Allele origin: germline.
Comment: This sequence change replaces aspartic acid, which is acidic and polar, with asparagine, which is neutral and polar, at codon 156 of the APC protein (p.Asp156Asn). This variant is not present in population databases (gnomAD no frequency). This variant has not been reported in the literature in individuals affected with APC-related conditions. ClinVar contains an entry for this variant (Variation ID: 969905). Invitae Evidence Modeling of protein sequence and biophysical properties (such as structural, functional, and spatial information, amino acid conservation, physicochemical variation, residue mobility, and thermodynamic stability) indicates that this missense variant is not expected to disrupt APC protein function with a negative predictive value of 95%. In summary, the available evidence is currently insufficient to determine the role of this variant in disease. Therefore, it has been classified as a Variant of Uncertain Significance.

Center for Genomic Medicine, Rigshospitalet, Copenhagen University Hospital
Classification: Uncertain significance. Last evaluated: 2025-03-04. Review status: criteria provided, single submitter. Criteria: ACMG Guidelines, 2015. Collection method: clinical testing. Allele origin: germline.

Ambry Genetics
Classification: Uncertain significance for Hereditary cancer-predisposing syndrome. Last evaluated: 2023-08-29. Review status: criteria provided, single submitter. Criteria: Ambry Variant Classification Scheme 2023. Collection method: clinical testing. Allele origin: germline.
Comment: The p.D156N variant (also known as c.466G>A), located in coding exon 4 of the APC gene, results from a G to A substitution at nucleotide position 466. The aspartic acid at codon 156 is replaced by asparagine, an amino acid with highly similar properties. This amino acid position is conserved. In addition, in silico predictors for this gene do not accurately predict pathogenicity. Since supporting evidence is limited at this time, the clinical significance of this alteration remains unclear.